The following is an entry in ClinVar:

NM_001129.5(AEBP1):c.2026del (p.Ala676fs)

Gene: AEBP1 (AE binding protein 1; plus strand). Cytogenetic location: 7p13.
Variant type: Deletion.
Coding change: c.2026del on transcript NM_001129.5 (MANE Select); coding-DNA position 2026, one base deleted (G; older notation c.2026delG).
Protein change: p.Ala676fs; shifts the reading frame from alanine 676.
Molecular consequence: frameshift variant.
Genome position (GRCh38, 1-based): chr7:44,112,039, G deleted; the last of 2 consecutive G bases (chr7:44,112,038-44,112,039); deleting either gives the same sequence. VCF-style (leftmost placement, unchanged base first): chr7-44112037-TG-T. GRCh37 (hg19) VCF-style: chr7-44151636-TG-T.
Other names: short protein forms A676fs.
Identifiers: ClinVar variation 2117669 (VCV002117669.4), dbSNP rs2484356584, ClinGen allele CA2580077138.

ClinVar aggregate classification (germline): Pathogenic (1 of 4 stars; one submission).

Submission:

Labcorp Genetics (formerly Invitae), Labcorp
Classification: Pathogenic. Last evaluated: 2022-03-26. Review status: criteria provided, single submitter. Criteria: Invitae Variant Classification Sherloc (09022015). Collection method: clinical testing. Allele origin: germline.
Comment: For these reasons, this variant has been classified as Pathogenic. Algorithms developed to predict the effect of sequence changes on RNA splicing suggest that this variant may create or strengthen a splice site. This variant has not been reported in the literature in individuals affected with AEBP1-related conditions. This variant is not present in population databases (gnomAD no frequency). This sequence change creates a premature translational stop signal (p.Ala676Glnfs*87) in the AEBP1 gene. It is expected to result in an absent or disrupted protein product. Loss-of-function variants in AEBP1 are known to be pathogenic (PMID: 29606302).

Literature cited by the submitters: PubMed 29606302.